The following is an entry in ClinVar:

NM_000443.4(ABCB4):c.175C>T (p.Leu59=)

Gene: ABCB4 (ATP binding cassette subfamily B member 4; minus strand). Cytogenetic location: 7q21.12.
Variant type: single nucleotide variant.
Coding change: c.175C>T on transcript NM_000443.4 (MANE Select); coding-DNA position 175, C replaced by T.
Protein change: p.Leu59=; no amino-acid change (leucine 59 retained).
Molecular consequence: synonymous variant.
Genome position (GRCh38, 1-based): chr7:87,462,869, G>A on the plus strand (C>T on the coding strand, the complement: ABCB4 is on the minus strand). VCF-style: chr7-87462869-G-A. GRCh37 (hg19) VCF-style: chr7-87092185-G-A.
Other names: p.Leu59=; c.175C>T, p.Leu59= (NM_018849.3, NM_018850.3).
Identifiers: ClinVar variation 256158 (VCV000256158.23), dbSNP rs2302387, ClinGen allele CA4327599.

ClinVar aggregate classification (germline): Benign/Likely benign. Review status: criteria provided, multiple submitters, no conflicts (2 of 4 stars). 12 submissions from 11 submitters: Benign (9); Likely benign (1). 2 of the submissions do not count toward it. Last evaluated 2026-04-14.

Conditions:
Low phospholipid associated cholelithiasis (GBD1). Also called: Gallstone cholecystitis; Gallbladder disease 1. Identifiers: Orphanet 69663, MedGen C2609268, MONDO:0010939, OMIM 600803.
Familial intrahepatic cholestasis. Identifiers: Orphanet 284385, MedGen CN296401, MONDO:0017290.
Cholestasis, intrahepatic, of pregnancy, 3. Identifiers: Orphanet 69665, MedGen C3554241, MONDO:0013995, OMIM 614972.
Progressive familial intrahepatic cholestasis type 3. Also called: Low Gamma-GT Familial Intrahepatic Cholestasis; MDR3 DEFICIENCY. Identifiers: Orphanet 79305, MedGen C1865643, MONDO:0011214, OMIM 602347.

Allele frequency attached by ClinVar (database versions not stated): gnomAD exomes 0.15142 and 0.17006; ExAC 0.17525; gnomAD 0.23084 and 0.23630; TOPMed 0.24101; ESP Exome Variant Server 0.24204; 1000 Genomes Project 0.25240; 1000 Genomes Project 30x 0.25859.
gnomAD v4.1: 257,174 of 1,612,594 alleles (16%); highest among the groups gnomAD compares: African/African-American, 45%; 24,223 homozygotes.

Submissions (12):

Genomenon, Inc
Classification: Benign for Familial intrahepatic cholestasis; Low phospholipid associated cholelithiasis. Last evaluated: 2026-04-14. Review status: criteria provided, single submitter. Criteria: Genomenon Sequence Variant Interpretation Standards - Updated. Collection method: curation. Allele origin: germline. Affected: no.
Comment: ABCB4 c.175C>T is a synonymous variant that retains Leucine at residue 59. This variant is present at high allele frequency in population databases. We classify ABCB4 p.Leu59= (c.175C>T) as a benign variant.

Labcorp Genetics (formerly Invitae), Labcorp
Classification: Benign. Last evaluated: 2026-02-04. Review status: criteria provided, single submitter. Criteria: Invitae Variant Classification Sherloc (09022015). Collection method: clinical testing. Allele origin: germline.

Women's Health and Genetics/Laboratory Corporation of America, LabCorp
Classification: Benign. Last evaluated: 2025-12-26. Review status: criteria provided, single submitter. Criteria: LabCorp Variant Classification Summary - May 2015. Collection method: clinical testing. Allele origin: germline.

Blueprint Genetics
Classification: Likely benign. Last evaluated: 2024-11-27. Review status: criteria provided, single submitter. Criteria: ACMG Guidelines, 2015. Collection method: clinical testing. Allele origin: germline.

Mayo Clinic Laboratories, Mayo Clinic
Classification: Benign. Last evaluated: 2022-04-29. Review status: criteria provided, single submitter. Criteria: ACMG Guidelines, 2015. Collection method: clinical testing. Allele origin: germline. Observed: 199 variant alleles.

Illumina Laboratory Services, Illumina
Classification: Benign for Cholestasis, intrahepatic, of pregnancy, 3. Last evaluated: 2018-01-13. Review status: criteria provided, single submitter. Criteria: ICSL Variant Classification Criteria 13 December 2019. Collection method: clinical testing. Allele origin: germline.
Comment: This variant was observed in the ICSL laboratory as part of a predisposition screen in an ostensibly healthy population. It had not been previously curated by ICSL or reported in the Human Gene Mutation Database (HGMD: prior to June 1st, 2018), and was therefore a candidate for classification through an automated scoring system. Utilizing variant allele frequency, disease prevalence and penetrance estimates, and inheritance mode, an automated score was calculated to assess if this variant is too frequent to cause the disease. Based on the score and internal cut-off values, a variant classified as benign is not then subjected to further curation. The score for this variant resulted in a classification of benign for this disease.

Illumina Laboratory Services, Illumina
Classification: Benign for Progressive familial intrahepatic cholestasis type 3. Last evaluated: 2018-01-13. Review status: criteria provided, single submitter. Criteria: ICSL Variant Classification Criteria 13 December 2019. Collection method: clinical testing. Allele origin: germline.
Comment: the same text as in the submission from Illumina Laboratory Services, Illumina above.

GeneDx
Classification: Benign. Last evaluated: 2015-12-17. Review status: criteria provided, single submitter. Criteria: GeneDx Variant Classification (06012015). Collection method: clinical testing. Allele origin: germline. Affected: yes.
Comment: This variant is considered likely benign or benign based on one or more of the following criteria: it is a conservative change, it occurs at a poorly conserved position in the protein, it is predicted to be benign by multiple in silico algorithms, and/or has population frequency not consistent with disease.

Breakthrough Genomics
Classification: Benign. Review status: criteria provided, single submitter. Criteria: ACMG Guidelines, 2015. Collection method: not provided. Allele origin: germline. Inheritance: Autosomal recessive inheritance. Affected: yes.

PreventionGenetics, part of Exact Sciences
Classification: Benign. Review status: criteria provided, single submitter. Criteria: ACMG Guidelines, 2015. Collection method: clinical testing. Allele origin: germline.

Diagnostic Laboratory, Department of Genetics, University Medical Center Groningen
Classification: Benign. Review status: no assertion criteria provided. Collection method: clinical testing. Allele origin: germline. Affected: yes. Study: VKGL Data-share Consensus. Not counted in ClinVar's aggregate classification.

Joint Genome Diagnostic Labs from Nijmegen and Maastricht, Radboudumc and MUMC+
Classification: Benign. Review status: no assertion criteria provided. Collection method: clinical testing. Allele origin: germline. Affected: yes. Study: VKGL Data-share Consensus. Not counted in ClinVar's aggregate classification.